The following is an entry in ClinVar:

ClinVar aggregate classification (germline): Uncertain significance (1 of 4 stars; one submission).

Conditions:
Autosomal dominant limb-girdle muscular dystrophy type 1F (LGMDD2). Also called: MUSCULAR DYSTROPHY, LIMB-GIRDLE, AUTOSOMAL DOMINANT 2; Limb-girdle muscular dystrophy, type 1F. Identifiers: Orphanet 55595, MedGen C1842062, MONDO:0012034, OMIM 608423.

Submission:

Labcorp Genetics (formerly Invitae), Labcorp
Classification: Uncertain significance for Autosomal dominant limb-girdle muscular dystrophy type 1F. Last evaluated: 2021-04-29. Review status: criteria provided, single submitter. Criteria: Invitae Variant Classification Sherloc (09022015). Collection method: clinical testing. Allele origin: germline.
Comment: Algorithms developed to predict the effect of missense changes on protein structure and function are either unavailable or do not agree on the potential impact of this missense change (SIFT: "Deleterious"; PolyPhen-2: "Benign"; Align-GVGD: "Class C65"). In summary, the available evidence is currently insufficient to determine the role of this variant in disease. Therefore, it has been classified as a Variant of Uncertain Significance. This variant has not been reported in the literature in individuals with TNPO3-related conditions. This variant is not present in population databases (ExAC no frequency). This sequence change replaces proline with serine at codon 573 of the TNPO3 protein (p.Pro573Ser). The proline residue is highly conserved and there is a moderate physicochemical difference between proline and serine.

NM_012470.4(TNPO3):c.1717C>T (p.Pro573Ser)

Gene: TNPO3 (transportin 3; minus strand). Cytogenetic location: 7q32.1.
Variant type: single nucleotide variant.
Coding change: c.1717C>T on transcript NM_012470.4 (MANE Select); coding-DNA position 1717, C replaced by T.
Protein change: p.Pro573Ser; replaces proline 573 with serine.
Molecular consequence: missense variant. On other transcripts: non-coding transcript variant (18).
Genome position (GRCh38, 1-based): chr7:128,984,233, G>A on the plus strand (C>T on the coding strand, the complement: TNPO3 is on the minus strand). VCF-style: chr7-128984233-G-A. GRCh37 (hg19) VCF-style: chr7-128624287-G-A.
Other names: c.1525C>T, p.Pro509Ser (NM_001191028.3, NM_001382223.1); c.1819C>T, p.Pro607Ser (NM_001382216.1); c.1798C>T, p.Pro600Ser (NM_001382217.1); c.1717C>T, p.Pro573Ser (NM_001382218.1, NM_001382220.1); c.1609C>T, p.Pro537Ser (NM_001382219.1); c.1573C>T, p.Pro525Ser (NM_001382221.1); c.1570C>T, p.Pro524Ser (NM_001382222.1); short protein forms P524S, P525S, P509S, P537S, P573S, P607S, P600S.
Identifiers: ClinVar variation 1421274 (VCV001421274.8), dbSNP rs2150331967, ClinGen allele CA369224967.
Genomic context (GRCh38, chr7:128,984,233, plus strand): 5'-TCAATGCCATAACCTGAACAGAACATAGTTCACTAAGACATTCGGTAATCTTATCCAAAG[G>A]TAATCGGGCTAGGACAAGTGCTGTCCCTGAAAAACAAAGGAAGATACAAATGAAAAATAA-3'
Protein context (NP_036602.1, residues 563-583): KGTALVLARL[Pro573Ser]LDKITECLSE